The following is an entry in ClinVar:

NM_004380.3(CREBBP):c.3495G>T (p.Trp1165Cys)

Gene: CREBBP (CREB binding lysine acetyltransferase; minus strand). Cytogenetic location: 16p13.3.
Variant type: single nucleotide variant.
Coding change: c.3495G>T on transcript NM_004380.3 (MANE Select); coding-DNA position 3495, G replaced by T.
Protein change: p.Trp1165Cys; replaces tryptophan 1165 with cysteine.
Molecular consequence: missense variant.
Genome position (GRCh38, 1-based): chr16:3,757,923, C>A on the plus strand (G>T on the coding strand, the complement: CREBBP is on the minus strand). VCF-style: chr16-3757923-C-A. GRCh37 (hg19) VCF-style: chr16-3807924-C-A.
Other names: c.3381G>T, p.Trp1127Cys (NM_001079846.1); short protein forms W1127C, W1165C.
Identifiers: ClinVar variation 3347662 (VCV003347662.1).

ClinVar aggregate classification (germline): Uncertain significance (0 of 4 stars; one submission).

Conditions:
CREBBP-related disorder. Also called: CREBBP-related condition; CREBBP-related disorders.

Submission:

PreventionGenetics, part of Exact Sciences
Classification: Uncertain significance for CREBBP-related condition. Last evaluated: 2024-05-31. Review status: no assertion criteria provided. Collection method: clinical testing. Allele origin: germline.
Comment: The CREBBP c.3495G>T variant is predicted to result in the amino acid substitution p.Trp1165Cys. To our knowledge, this variant has not been reported in the literature or in gnomAD, indicating this variant is rare. At this time, the clinical significance of this variant is uncertain due to the absence of conclusive functional and genetic evidence.